The following is an entry in ClinVar:

NM_001355436.2(SPTB):c.2101C>T (p.His701Tyr)

Gene: SPTB (spectrin beta, erythrocytic; minus strand). Cytogenetic location: 14q23.3.
Variant type: single nucleotide variant.
Coding change: c.2101C>T on transcript NM_001355436.2 (MANE Select); coding-DNA position 2101, C replaced by T.
Protein change: p.His701Tyr; replaces histidine 701 with tyrosine.
Molecular consequence: missense variant.
Genome position (GRCh38, 1-based): chr14:64,793,562, G>A on the plus strand (C>T on the coding strand, the complement: SPTB is on the minus strand). VCF-style: chr14-64793562-G-A. GRCh37 (hg19) VCF-style: chr14-65260280-G-A.
Other names: c.2101C>T, p.His701Tyr (NM_001024858.4, NM_001355437.2); short protein forms H701Y.
Identifiers: ClinVar variation 5041575 (VCV005041575.1).

ClinVar aggregate classification (germline): Uncertain significance (1 of 4 stars; one submission).

gnomAD v4.1: 4 of 1,614,156 alleles (0.00025%); highest among the groups gnomAD compares: South Asian, 0.0011%; no homozygotes.

Submission:

CeGaT Center for Human Genetics Tuebingen
Classification: Uncertain significance. Last evaluated: 2026-09-01. Review status: criteria provided, single submitter. Criteria: CeGaT Center For Human Genetics Tuebingen Variant Classification Criteria Version 2. Collection method: clinical testing. Allele origin: germline. Affected: yes. Observed: 1 variant allele.
Comment: SPTB: PM2, BP4